The following is an entry in ClinVar:

ClinVar aggregate classification (germline): Uncertain significance (1 of 4 stars; one submission).

Submission:

GeneDx
Classification: Uncertain significance. Last evaluated: 2022-04-18. Review status: criteria provided, single submitter. Criteria: GeneDx Variant Classification Process June 2021. Collection method: clinical testing. Allele origin: germline. Affected: yes.
Comment: Not observed in large population cohorts (gnomAD); In silico analysis supports a deleterious effect on protein structure/function; Has not been previously published as pathogenic or benign to our knowledge

NM_000092.5(COL4A4):c.4741_4744delinsAAGA (p.Gln1581_Asp1582delinsLysAsn)

Gene: COL4A4 (collagen type IV alpha 4 chain; minus strand). Cytogenetic location: 2q36.3.
Variant type: Indel.
Coding change: c.4741_4744delinsAAGA on transcript NM_000092.5 (MANE Select); coding-DNA positions 4741 to 4744, CAGG replaced by AAGA.
Protein change: p.Gln1581_Asp1582delinsLysAsn.
Molecular consequence: missense variant.
Genome position (GRCh38, 1-based): chr2:227,008,083-227,008,086, CCTG replaced by TCTT on the plus strand (CAGG replaced by AAGA on the coding strand, the reverse complement: COL4A4 is on the minus strand). VCF-style: chr2-227008083-CCTG-TCTT. GRCh37 (hg19) VCF-style: chr2-227872799-CCTG-TCTT.
Identifiers: ClinVar variation 1676877 (VCV001676877.2), dbSNP rs2149720398, ClinGen allele CA2573135351.